The following is an entry in ClinVar:

NM_000165.5(GJA1):c.445G>A (p.Gly149Arg)

Gene: GJA1 (gap junction protein alpha 1; plus strand). Cytogenetic location: 6q22.31.
Variant type: single nucleotide variant.
Coding change: c.445G>A on transcript NM_000165.5 (MANE Select); coding-DNA position 445, G replaced by A.
Protein change: p.Gly149Arg; replaces glycine 149 with arginine.
Molecular consequence: missense variant.
Genome position (GRCh38, 1-based): chr6:121,447,292, G>A. VCF-style: chr6-121447292-G-A. GRCh37 (hg19) VCF-style: chr6-121768438-G-A.
Other names: c.445G>A (NM_000165.3); short protein forms G149R.
Identifiers: ClinVar variation 2012851 (VCV002012851.5), dbSNP rs2536821872, ClinGen allele CA365559031.
Genomic context (GRCh38, chr6:121,447,292, plus strand): 5'-CAGATTGAGATAAAGAAGTTCAAGTACGGTATTGAAGAGCATGGTAAGGTGAAAATGCGA[G>A]GGGGGTTGCTGCGAACCTACATCATCAGTATCCTCTTCAAGTCTATCTTTGAGGTGGCCT-3'
Protein context (NP_000156.1, residues 139-159): IEEHGKVKMR[Gly149Arg]GLLRTYIISI

ClinVar aggregate classification (germline): Uncertain significance. Review status: criteria provided, multiple submitters, no conflicts (2 of 4 stars). 2 submissions from 2 submitters: Uncertain significance (2). Last evaluated 2026-03-06.

Conditions:
Oculodentodigital dysplasia, autosomal recessive. Also called: OCULODENTOOSSEOUS DYSPLASIA, AUTOSOMAL RECESSIVE; ODDD, AUTOSOMAL RECESSIVE; ODOD, AUTOSOMAL RECESSIVE. Identifiers: Orphanet 2710, MedGen C2749477, MONDO:0009768, OMIM 257850.

Submissions (2):

GeneDx
Classification: Uncertain significance. Last evaluated: 2026-03-06. Review status: criteria provided, single submitter. Criteria: GeneDx Variant Classification Process June 2021. Collection method: clinical testing. Allele origin: germline.
Comment: Not observed at significant frequency in large population cohorts (gnomAD); In silico analysis supports that this missense variant has a deleterious effect on protein structure/function; Has not been previously published as pathogenic or benign to our knowledge

Labcorp Genetics (formerly Invitae), Labcorp
Classification: Uncertain significance for Oculodentodigital dysplasia, autosomal recessive. Last evaluated: 2022-09-27. Review status: criteria provided, single submitter. Criteria: Invitae Variant Classification Sherloc (09022015). Collection method: clinical testing. Allele origin: germline.
Comment: In summary, the available evidence is currently insufficient to determine the role of this variant in disease. Therefore, it has been classified as a Variant of Uncertain Significance. Advanced modeling of protein sequence and biophysical properties (such as structural, functional, and spatial information, amino acid conservation, physicochemical variation, residue mobility, and thermodynamic stability) performed at Invitae indicates that this missense variant is not expected to disrupt GJA1 protein function. This variant has not been reported in the literature in individuals affected with GJA1-related conditions. This variant is not present in population databases (gnomAD no frequency). This sequence change replaces glycine, which is neutral and non-polar, with arginine, which is basic and polar, at codon 149 of the GJA1 protein (p.Gly149Arg).